The following is an entry in ClinVar:

ClinVar aggregate classification (germline): Conflicting classifications of pathogenicity. Review status: criteria provided, conflicting classifications (1 of 4 stars). 2 submissions from 2 submitters: Uncertain significance (1); Likely benign (1). Last evaluated 2025-03-03.

Conditions:
Acromesomelic dysplasia 1, Maroteaux type (AMD1). Also called: ST. HELENA DYSPLASIA; ACROMESOMELIC DYSPLASIA 1. Identifiers: Orphanet 40, MedGen C1864356, MONDO:0011275, OMIM 602875.
Tall stature-scoliosis-macrodactyly of the great toes syndrome. Also called: Epiphyseal chondrodysplasia, miura type. Identifiers: Orphanet 329191, MedGen C4014690, MONDO:0014401, OMIM 615923.
Inborn genetic diseases. Identifiers: MedGen C0950123, MeSH D030342.

Allele frequency attached by ClinVar (database versions not stated): gnomAD exomes 0.00002; gnomAD 0.00004; TOPMed 0.00004.
gnomAD v4.1: 32 of 1,614,088 alleles (0.002%); highest among the groups gnomAD compares: African/African-American, 0.011%; no homozygotes.

Submissions (2):

Ambry Genetics
Classification: Likely benign for Inborn genetic diseases. Last evaluated: 2025-03-03. Review status: criteria provided, single submitter. Criteria: Ambry Variant Classification Scheme 2023. Collection method: clinical testing. Allele origin: germline.

Labcorp Genetics (formerly Invitae), Labcorp
Classification: Uncertain significance for Tall stature-scoliosis-macrodactyly of the great toes syndrome; Acromesomelic dysplasia 1, Maroteaux type. Last evaluated: 2023-07-14. Review status: criteria provided, single submitter. Criteria: Invitae Variant Classification Sherloc (09022015). Collection method: clinical testing. Allele origin: germline.
Comment: In summary, the available evidence is currently insufficient to determine the role of this variant in disease. Therefore, it has been classified as a Variant of Uncertain Significance. Algorithms developed to predict the effect of missense changes on protein structure and function output the following: SIFT: "Not Available"; PolyPhen-2: "Benign"; Align-GVGD: "Not Available". The glutamine amino acid residue is found in multiple mammalian species, which suggests that this missense change does not adversely affect protein function. This variant has not been reported in the literature in individuals affected with NPR2-related conditions. This variant is present in population databases (no rsID available, gnomAD 0.004%). This sequence change replaces arginine, which is basic and polar, with glutamine, which is neutral and polar, at codon 280 of the NPR2 protein (p.Arg280Gln).

NM_003995.4(NPR2):c.839G>A (p.Arg280Gln)

Gene: NPR2 (natriuretic peptide receptor 2; plus strand). Cytogenetic location: 9p13.3.
Variant type: single nucleotide variant.
Coding change: c.839G>A on transcript NM_003995.4 (MANE Select); coding-DNA position 839, G replaced by A.
Protein change: p.Arg280Gln; replaces arginine 280 with glutamine.
Molecular consequence: missense variant.
Genome position (GRCh38, 1-based): chr9:35,794,069, G>A. VCF-style: chr9-35794069-G-A. GRCh37 (hg19) VCF-style: chr9-35794066-G-A.
Other names: c.839G>A, p.Arg280Gln (NM_001378923.1); c.839G>A (NM_003995.3); short protein forms R280Q.
Identifiers: ClinVar variation 2952946 (VCV002952946.4), dbSNP rs920376052, ClinGen allele CA192763033.